The following is an entry in ClinVar:

NM_006329.4(FBLN5):c.380-2A>G

Gene: FBLN5 (fibulin 5; minus strand). Cytogenetic location: 14q32.12.
Variant type: single nucleotide variant.
Coding change: c.380-2A>G on transcript NM_006329.4 (MANE Select); the canonical splice acceptor site of the intron before coding-DNA position 380, A replaced by G.
Molecular consequence: splice acceptor variant.
Genome position (GRCh38, 1-based): chr14:91,895,074, T>C on the plus strand (A>G on the coding strand, the complement: FBLN5 is on the minus strand). VCF-style: chr14-91895074-T-C. GRCh37 (hg19) VCF-style: chr14-92361418-T-C.
Other names: c.380-2A>G (NM_001384160.1); c.503-2A>G (NM_001384158.1); c.212-2A>G (NM_001384162.1, NM_001384161.1); c.431-2A>G (NM_001384159.1).
Identifiers: ClinVar variation 2108688 (VCV002108688.4), dbSNP rs112112649, ClinGen allele CA265601655.

ClinVar aggregate classification (germline): Uncertain significance (1 of 4 stars; one submission).

Allele frequency attached by ClinVar (database versions not stated): TOPMed below 0.00001.

Submission:

Labcorp Genetics (formerly Invitae), Labcorp
Classification: Uncertain significance. Last evaluated: 2022-03-11. Review status: criteria provided, single submitter. Criteria: Invitae Variant Classification Sherloc (09022015). Collection method: clinical testing. Allele origin: germline.
Comment: This sequence change affects an acceptor splice site in intron 4 of the FBLN5 gene. It is expected to disrupt RNA splicing. Variants that disrupt the donor or acceptor splice site typically lead to a loss of protein function (PMID: 16199547), however the current clinical and genetic evidence is not sufficient to establish whether loss-of-function variants in FBLN5 cause disease. This variant is not present in population databases (gnomAD no frequency). In summary, the available evidence is currently insufficient to determine the role of this variant in disease. Therefore, it has been classified as a Variant of Uncertain Significance. Algorithms developed to predict the effect of sequence changes on RNA splicing suggest that this variant may disrupt the consensus splice site. This variant has not been reported in the literature in individuals affected with FBLN5-related conditions.

Literature cited by the submitters: PubMed 16199547.